The following is an entry in ClinVar:

NM_007294.4(BRCA1):c.1780A>G (p.Met594Val)

Gene: BRCA1 (BRCA1 DNA repair associated; minus strand). Cytogenetic location: 17q21.31.
Variant type: single nucleotide variant.
Coding change: c.1780A>G on transcript NM_007294.4 (MANE Select); coding-DNA position 1780, A replaced by G.
Protein change: p.Met594Val; replaces methionine 594 with valine.
Molecular consequence: missense variant. On other transcripts: intron variant (137).
Genome position (GRCh38, 1-based): chr17:43,093,751, T>C on the plus strand (A>G on the coding strand, the complement: BRCA1 is on the minus strand). VCF-style: chr17-43093751-T-C. GRCh37 (hg19) VCF-style: chr17-41245768-T-C.
Other names: c.1639A>G, p.Met547Val (NM_001407694.1, NM_001407692.1, NM_001407695.1 and 29 more transcripts); c.1567A>G, p.Met523Val (NM_001407571.1, NM_001407853.1, NM_001407894.1 and 9 more transcripts); c.1780A>G, p.Met594Val (NM_001407581.1, NM_001407582.1, NM_001407583.1 and 30 more transcripts); c.1777A>G, p.Met593Val (NM_001407587.1, NM_001407590.1, NM_001407591.1 and 22 more transcripts); c.1771A>G, p.Met591Val (NM_001407646.1, NM_001407647.1); c.1657A>G, p.Met553Val (NM_001407648.1, NM_001407664.1, NM_001407665.1 and 19 more transcripts); c.1654A>G, p.Met552Val (NM_001407649.1, NM_001407670.1, NM_001407671.1 and 11 more transcripts); c.1702A>G, p.Met568Val (NM_001407653.1, NM_001407654.1, NM_001407655.1 and 4 more transcripts); and 40 more; short protein forms M426V, M466V, M524V, M527V, M553V, M591V, M594V, M526V.
Identifiers: ClinVar variation 2709517 (VCV002709517.3), dbSNP rs2154423802, ClinGen allele CA10598462.

ClinVar aggregate classification (germline): Uncertain significance (1 of 4 stars; one submission).

Conditions:
Hereditary breast ovarian cancer syndrome. Also called: Hereditary breast and ovarian cancer syndrome; Hereditary breast and ovarian cancer syndrome (HBOC); Hereditary breast and/or ovarian cancer syndrome; Hereditary breast and ovarian cancer; Breast and ovarian cancer; BRCA1- and BRCA2-Associated Hereditary Breast and Ovarian Cancer. Identifiers: Orphanet 145, MedGen C0677776, MeSH D061325, MONDO:0003582. Disease mechanism: loss of function.

Submission:

Labcorp Genetics (formerly Invitae), Labcorp
Classification: Uncertain significance for Hereditary breast ovarian cancer syndrome. Last evaluated: 2024-01-16. Review status: criteria provided, single submitter. Criteria: Invitae Variant Classification Sherloc (09022015). Collection method: clinical testing. Allele origin: germline.
Comment: This sequence change replaces methionine, which is neutral and non-polar, with valine, which is neutral and non-polar, at codon 594 of the BRCA1 protein (p.Met594Val). This variant is not present in population databases (gnomAD no frequency). This variant has not been reported in the literature in individuals affected with BRCA1-related conditions. Advanced modeling of protein sequence and biophysical properties (such as structural, functional, and spatial information, amino acid conservation, physicochemical variation, residue mobility, and thermodynamic stability) performed at Invitae indicates that this missense variant is not expected to disrupt BRCA1 protein function with a negative predictive value of 95%. In summary, the available evidence is currently insufficient to determine the role of this variant in disease. Therefore, it has been classified as a Variant of Uncertain Significance.